The following is an entry in ClinVar:

ClinVar aggregate classification (germline): Pathogenic (1 of 4 stars; one submission).

Submission:

Labcorp Genetics (formerly Invitae), Labcorp
Classification: Pathogenic. Last evaluated: 2022-11-09. Review status: criteria provided, single submitter. Criteria: Invitae Variant Classification Sherloc (09022015). Collection method: clinical testing. Allele origin: germline.
Comment: This variant has not been reported in the literature in individuals affected with ESCO2-related conditions. For these reasons, this variant has been classified as Pathogenic. This variant is not present in population databases (gnomAD no frequency). This sequence change creates a premature translational stop signal (p.Tyr87*) in the ESCO2 gene. It is expected to result in an absent or disrupted protein product. Loss-of-function variants in ESCO2 are known to be pathogenic (PMID: 15821733, 16380922).

Literature cited by the submitters: PubMed 15821733; PubMed 16380922.

NM_001017420.3(ESCO2):c.261C>A (p.Tyr87Ter)

Gene: ESCO2 (establishment of sister chromatid cohesion N-acetyltransferase 2; plus strand). Cytogenetic location: 8p21.1.
Variant type: single nucleotide variant.
Coding change: c.261C>A on transcript NM_001017420.3 (MANE Select); coding-DNA position 261, C replaced by A.
Protein change: p.Tyr87Ter; replaces tyrosine 87 with a stop codon.
Molecular consequence: nonsense.
Genome position (GRCh38, 1-based): chr8:27,776,569, C>A. VCF-style: chr8-27776569-C-A. GRCh37 (hg19) VCF-style: chr8-27634086-C-A.
Other names: short protein forms Y87*.
Identifiers: ClinVar variation 2813120 (VCV002813120.3), dbSNP rs2486626922, ClinGen allele CA370817578.